The following is an entry in ClinVar:

ClinVar aggregate classification (germline): Likely benign (1 of 4 stars; one submission).

Conditions:
Breast-ovarian cancer, familial, susceptibility to, 2 (BROVCA2). Also called: BRCA2 Hereditary Breast and Ovarian Cancer. Identifiers: Orphanet 145, MedGen C2675520, MONDO:0012933, OMIM 612555. Disease mechanism: loss of function.

gnomAD v4.1: 1 of 1,613,536 alleles (0.000062%); highest among the groups gnomAD compares: South Asian, 0.0011%; no homozygotes.

Submission:

Cancer Bioinformatics and Tumour Evolution Laboratory, Monash University
Classification: Likely benign for Breast-ovarian cancer, familial, susceptibility to, 2. Last evaluated: 2026-05-01. Review status: criteria provided, single submitter. Criteria: ClinGen BRCA1 and BRCA2 Guidelines, 2024. Collection method: curation. Allele origin: germline. Inheritance: Autosomal dominant inheritance.
Comment: Missense variant outside of a functional domain with no splice impact. BRCA1 and BRCA2 VCEP guidelines recommend application of BP1_Strong (PMID: 39142283)

NM_000059.4(BRCA2):c.7251C>G (p.His2417Gln)

Gene: BRCA2 (BRCA2 DNA repair associated; plus strand). Cytogenetic location: 13q13.1.
Variant type: single nucleotide variant.
Coding change: c.7251C>G on transcript NM_000059.4 (MANE Select); coding-DNA position 7251, C replaced by G.
Protein change: p.His2417Gln; replaces histidine 2417 with glutamine.
Molecular consequence: missense variant. On other transcripts: non-coding transcript variant (1).
Genome position (GRCh38, 1-based): chr13:32,355,104, C>G. VCF-style: chr13-32355104-C-G. GRCh37 (hg19) VCF-style: chr13-32929241-C-G.
Other names: c.7155C>G, p.His2385Gln (NM_001406719.1); c.7251C>G, p.His2417Gln (NM_001406720.1, NM_001432077.1); c.2319C>G, p.His773Gln (NM_001406721.1); c.834C>G, p.His278Gln (NM_001406722.1); short protein forms H2385Q, H2417Q, H278Q, H773Q.
Identifiers: ClinVar variation 4856594 (VCV004856594.1).